The following is an entry in ClinVar:

NM_001287.6(CLCN7):c.1153+3A>G

Gene: CLCN7 (chloride voltage-gated channel 7; minus strand). Cytogenetic location: 16p13.3.
Variant type: single nucleotide variant.
Coding change: c.1153+3A>G on transcript NM_001287.6 (MANE Select); 3 bases into the intron after coding-DNA position 1153, A replaced by G.
Molecular consequence: intron variant.
Genome position (GRCh38, 1-based): chr16:1,454,408, T>C on the plus strand (A>G on the coding strand, the complement: CLCN7 is on the minus strand). VCF-style: chr16-1454408-T-C. GRCh37 (hg19) VCF-style: chr16-1504409-T-C.
Other names: c.1081+3A>G (NM_001114331.3).
Identifiers: ClinVar variation 2020438 (VCV002020438.4), dbSNP rs1216112004, ClinGen allele CA620325783.
Genomic context (GRCh38, chr16:1,454,408, plus strand): 5'-TGGCCACGTCACAGCTGAGCCAGGCCCGCAGGCCGTCCCTGCGGTGCTGGGAGAAGCCCT[T>C]ACCCACCACGCCCATGGCGATGAAGACCGGGATCTCGTGGATCGTGTAGGCCATTTTCTG-3'

ClinVar aggregate classification (germline): Uncertain significance (1 of 4 stars; one submission).

Allele frequency attached by ClinVar (database versions not stated): gnomAD exomes below 0.00001; gnomAD 0.00001.

Submission:

Labcorp Genetics (formerly Invitae), Labcorp
Classification: Uncertain significance. Last evaluated: 2022-03-18. Review status: criteria provided, single submitter. Criteria: Invitae Variant Classification Sherloc (09022015). Collection method: clinical testing. Allele origin: germline.
Comment: This sequence change falls in intron 13 of the CLCN7 gene. It does not directly change the encoded amino acid sequence of the CLCN7 protein. It affects a nucleotide within the consensus splice site. This variant is present in population databases (no rsID available, gnomAD 0.006%). This variant has not been reported in the literature in individuals affected with CLCN7-related conditions. Variants that disrupt the consensus splice site are a relatively common cause of aberrant splicing (PMID: 17576681, 9536098). Algorithms developed to predict the effect of sequence changes on RNA splicing suggest that this variant may disrupt the consensus splice site. In summary, the available evidence is currently insufficient to determine the role of this variant in disease. Therefore, it has been classified as a Variant of Uncertain Significance.

Literature cited by the submitters: PubMed 17576681; PubMed 9536098.